The following is an entry in ClinVar:

ClinVar aggregate classification (germline): Uncertain significance. Review status: criteria provided, multiple submitters, no conflicts (2 of 4 stars). 2 submissions from 2 submitters: Uncertain significance (2). Last evaluated 2025-05-05.

Conditions:
SLCO1B3-related disorder. Also called: SLCO1B3-related condition.

gnomAD v4.1: 37 of 1,611,068 alleles (0.0023%); highest among the groups gnomAD compares: African/African-American, 0.049%; no homozygotes.

Submissions (2):

PreventionGenetics, part of Exact Sciences
Classification: Uncertain significance for SLCO1B3-related condition. Last evaluated: 2025-05-05. Review status: criteria provided, single submitter. Criteria: ACMG Guidelines, 2015. Collection method: clinical testing. Allele origin: germline.
Comment: The SLCO1B3 c.1922T>C variant is predicted to result in the amino acid substitution p.Ile641Thr. To our knowledge, this variant has not been reported in the literature. This variant is reported in 0.073% of alleles in individuals of African descent in gnomAD. Although we suspect that this variant could be benign, at this time, the clinical significance of this variant is uncertain due to the absence of conclusive functional and genetic evidence.

Ambry Genetics
Classification: Uncertain significance. Last evaluated: 2025-02-24. Review status: criteria provided, single submitter. Criteria: Ambry Variant Classification Scheme 2023. Collection method: clinical testing. Allele origin: germline.

NM_019844.4(SLCO1B3):c.1922T>C (p.Ile641Thr)

Genes: SLCO1B3 (solute carrier organic anion transporter family member 1B3; plus strand), SLCO1B3-SLCO1B7 (SLCO1B3-SLCO1B7 readthrough; plus strand). Cytogenetic location: 12p12.2.
Variant type: single nucleotide variant.
Coding change: c.1922T>C on transcript NM_019844.4 (MANE Select); coding-DNA position 1922, T replaced by C.
Protein change: p.Ile641Thr; replaces isoleucine 641 with threonine.
Molecular consequence: missense variant. On other transcripts: intron variant (1).
Genome position (GRCh38, 1-based): chr12:20,916,060, T>C. VCF-style: chr12-20916060-T-C. GRCh37 (hg19) VCF-style: chr12-21068994-T-C.
Other names: c.1922T>C (NM_019844.3); c.1838T>C, p.Ile613Thr (NM_001349920.2); c.1865+14593T>C (NM_001371097.1); short protein forms I613T, I641T.
Identifiers: ClinVar variation 3798465 (VCV003798465.2).